The following is an entry in ClinVar:

NM_002470.4(MYH3):c.899-11T>A

Gene: MYH3 (myosin heavy chain 3; minus strand). Cytogenetic location: 17p13.1.
Variant type: single nucleotide variant.
Coding change: c.899-11T>A on transcript NM_002470.4 (MANE Select); 11 bases into the intron before coding-DNA position 899, T replaced by A.
Molecular consequence: intron variant.
Genome position (GRCh38, 1-based): chr17:10,646,043, A>T on the plus strand (T>A on the coding strand, the complement: MYH3 is on the minus strand). VCF-style: chr17-10646043-A-T. GRCh37 (hg19) VCF-style: chr17-10549360-A-T.
Identifiers: ClinVar variation 4819784 (VCV004819784.2).

ClinVar aggregate classification (germline): Uncertain significance (1 of 4 stars; one submission).

Conditions:
MYH3-related disorder. Also called: MYH3-Related Disorders; MYH3-related condition. Identifiers: MedGen CN239329.

Submission:

3billion
Classification: Uncertain significance for MYH3-related disorder. Last evaluated: 2025-09-15. Review status: criteria provided, single submitter. Criteria: ACMG Guidelines, 2015. Collection method: clinical testing. Allele origin: germline. Affected: yes.
Comment: The variant is not observed in the gnomAD v4.1.0 dataset. Predicted Consequence/Location: Intron variant In silico tools predict the variant to alter splicing and produce an abnormal transcript [SpliceAI: 0.90 (>=0.2, moderate evidence for spliceogenicity)]. The variant has been reported to co-segregate with the disease in at least 3 similarly affected relatives/individuals in the same family or similarly affected unrelated families (3billion dataset). Therefore, this variant is classified as VUS (PM2_M, PP1_P, PP3_P) according to the recommendation of ACMG/AMP guideline.